The following is an entry in ClinVar:

ClinVar aggregate classification (germline): Uncertain significance (1 of 4 stars; one submission).

gnomAD v4.1: 1 of 1,610,346 alleles (0.000062%); highest among the groups gnomAD compares: East Asian, 0.0022%; no homozygotes.

Submission:

Labcorp Genetics (formerly Invitae), Labcorp
Classification: Uncertain significance. Last evaluated: 2024-10-09. Review status: criteria provided, single submitter. Criteria: Invitae Variant Classification Sherloc (09022015). Collection method: clinical testing. Allele origin: germline.
Comment: This sequence change affects codon 916 of the NFKB1 mRNA. It is a 'silent' change, meaning that it does not change the encoded amino acid sequence of the NFKB1 protein. It affects a nucleotide within the consensus splice site. This variant is present in population databases (no rsID available, gnomAD 0.006%). This variant has not been reported in the literature in individuals affected with NFKB1-related conditions. Algorithms developed to predict the effect of sequence changes on RNA splicing suggest that this variant is not likely to affect RNA splicing. In summary, the available evidence is currently insufficient to determine the role of this variant in disease. Therefore, it has been classified as a Variant of Uncertain Significance.

NM_003998.4(NFKB1):c.2748A>C (p.Ile916=)

Gene: NFKB1 (nuclear factor kappa B subunit 1; plus strand). Cytogenetic location: 4q24.
Variant type: single nucleotide variant.
Coding change: c.2748A>C on transcript NM_003998.4 (MANE Select); coding-DNA position 2748, A replaced by C.
Protein change: p.Ile916=; no amino-acid change (isoleucine 916 retained).
Molecular consequence: synonymous variant.
Genome position (GRCh38, 1-based): chr4:102,613,580, A>C. VCF-style: chr4-102613580-A-C. GRCh37 (hg19) VCF-style: chr4-103534737-A-C.
Other names: c.2745A>C, p.Ile915= (NM_001165412.2, NM_001319226.2, NM_001382627.1); c.2748A>C, p.Ile916= (NM_001382625.1, NM_001382626.1); c.2706A>C, p.Ile902= (NM_001382628.1).
Identifiers: ClinVar variation 3722525 (VCV003722525.2).